The following is an entry in ClinVar:

NM_001364905.1(LRBA):c.3866C>T (p.Pro1289Leu)

Gene: LRBA (LPS responsive beige-like anchor protein; minus strand). Cytogenetic location: 4q31.3.
Variant type: single nucleotide variant.
Coding change: c.3866C>T on transcript NM_001364905.1 (MANE Select); coding-DNA position 3866, C replaced by T.
Protein change: p.Pro1289Leu; replaces proline 1289 with leucine.
Molecular consequence: missense variant.
Genome position (GRCh38, 1-based): chr4:150,850,862, G>A on the plus strand (C>T on the coding strand, the complement: LRBA is on the minus strand). VCF-style: chr4-150850862-G-A. GRCh37 (hg19) VCF-style: chr4-151772014-G-A.
Other names: c.3866C>T, p.Pro1289Leu (NM_001199282.3, NM_001367550.1, NM_006726.5); short protein forms P1289L.
Identifiers: ClinVar variation 1352009 (VCV001352009.9), dbSNP rs1361843027, ClinGen allele CA358455862.

ClinVar aggregate classification (germline): Uncertain significance. Review status: criteria provided, multiple submitters, no conflicts (2 of 4 stars). 2 submissions from 2 submitters: Uncertain significance (2). Last evaluated 2022-06-20.

Conditions:
Combined immunodeficiency due to LRBA deficiency. Also called: Common variable immunodeficiency 8, with autoimmunity. Identifiers: Orphanet 445018, MedGen C3553512, MONDO:0013863, OMIM 614700.

Allele frequency attached by ClinVar (database versions not stated): TOPMed below 0.00001; gnomAD 0.00001.
gnomAD v4.1: 8 of 1,613,124 alleles (0.0005%); highest among the groups gnomAD compares: African/African-American, 0.0013%; no homozygotes.

Submissions (2):

Labcorp Genetics (formerly Invitae), Labcorp
Classification: Uncertain significance for Combined immunodeficiency due to LRBA deficiency. Last evaluated: 2022-06-20. Review status: criteria provided, single submitter. Criteria: Invitae Variant Classification Sherloc (09022015). Collection method: clinical testing. Allele origin: germline.
Comment: In summary, the available evidence is currently insufficient to determine the role of this variant in disease. Therefore, it has been classified as a Variant of Uncertain Significance. Algorithms developed to predict the effect of sequence changes on RNA splicing suggest that this variant may disrupt the consensus splice site. Algorithms developed to predict the effect of missense changes on protein structure and function are either unavailable or do not agree on the potential impact of this missense change (SIFT: "Deleterious"; PolyPhen-2: "Benign"; Align-GVGD: "Class C0"). This variant has not been reported in the literature in individuals affected with LRBA-related conditions. This variant is not present in population databases (gnomAD no frequency). This sequence change replaces proline, which is neutral and non-polar, with leucine, which is neutral and non-polar, at codon 1289 of the LRBA protein (p.Pro1289Leu).

Blueprint Genetics
Classification: Uncertain significance. Last evaluated: 2021-01-12. Review status: criteria provided, single submitter. Criteria: ACMG Guidelines, 2015. Collection method: clinical testing. Allele origin: germline.